The following is an entry in ClinVar:

ClinVar aggregate classification (germline): Uncertain significance (1 of 4 stars; one submission).

Submission:

GeneDx
Classification: Uncertain significance. Last evaluated: 2025-05-08. Review status: criteria provided, single submitter. Criteria: GeneDx Variant Classification Process June 2021. Collection method: clinical testing. Allele origin: germline. Affected: yes.
Comment: Not observed at significant frequency in large population cohorts (gnomAD); In silico analysis supports that this missense variant has a deleterious effect on protein structure/function; Has not been previously published as pathogenic or benign to our knowledge

NM_016284.5(CNOT1):c.6965T>G (p.Leu2322Arg)

Genes: CNOT1 (CCR4-NOT transcription complex subunit 1; minus strand), SETD6 (SET domain containing 6, protein lysine methyltransferase; plus strand). Cytogenetic location: 16q21.
Variant type: single nucleotide variant.
Coding change: c.6965T>G on transcript NM_016284.5 (MANE Select); coding-DNA position 6965, T replaced by G.
Protein change: p.Leu2322Arg; replaces leucine 2322 with arginine.
Molecular consequence: missense variant. On other transcripts: non-coding transcript variant (1), 3 prime UTR variant (1).
Genome position (GRCh38, 1-based): chr16:58,521,270, A>C on the plus strand (T>G on the coding strand, the complement: CNOT1 is on the minus strand). VCF-style: chr16-58521270-A-C. GRCh37 (hg19) VCF-style: chr16-58555174-A-C.
Other names: c.6950T>G, p.Leu2317Arg (NM_001265612.2); c.*2241A>C (NM_001160305.4); short protein forms L2317R, L2322R.
Identifiers: ClinVar variation 1703926 (VCV001703926.3), dbSNP rs2543786995, ClinGen allele CA396160262.